The following is an entry in ClinVar:

NM_004100.5(EYA4):c.1389A>T (p.Ala463=)

Genes: EYA4 (EYA transcriptional coactivator and phosphatase 4; plus strand), TARID (TCF21 antisense RNA inducing promoter demethylation; minus strand). Cytogenetic location: 6q23.2.
Variant type: single nucleotide variant.
Coding change: c.1389A>T on transcript NM_004100.5 (MANE Select); coding-DNA position 1389, A replaced by T.
Protein change: p.Ala463=; no amino-acid change (alanine 463 retained).
Molecular consequence: synonymous variant.
Genome position (GRCh38, 1-based): chr6:133,512,926, A>T. VCF-style: chr6-133512926-A-T. GRCh37 (hg19) VCF-style: chr6-133834064-A-T.
Other names: c.1227A>T, p.Ala409= (NM_001301012.2); c.1407A>T, p.Ala469= (NM_001301013.2); c.1320A>T, p.Ala440= (NM_001370458.1, NM_172103.4); c.1245A>T, p.Ala415= (NM_001370459.1); c.1389A>T, p.Ala463= (NM_172105.4).
Identifiers: ClinVar variation 4723339 (VCV004723339.1).

ClinVar aggregate classification (germline): Uncertain significance (1 of 4 stars; one submission).

Conditions:
Dilated cardiomyopathy 1J (CMD1J). Also called: CARDIOMYOPATHY, DILATED, WITH SENSORINEURAL HEARING LOSS, AUTOSOMAL DOMINANT. Identifiers: Orphanet 217622, MedGen C1854368, MONDO:0011541, OMIM 605362.

Submission:

Labcorp Genetics (formerly Invitae), Labcorp
Classification: Uncertain significance for Dilated cardiomyopathy 1J. Last evaluated: 2025-07-16. Review status: criteria provided, single submitter. Criteria: Invitae Variant Classification Sherloc (09022015). Collection method: clinical testing. Allele origin: germline.
Comment: This sequence change affects codon 463 of the EYA4 mRNA. It is a 'silent' change, meaning that it does not change the encoded amino acid sequence of the EYA4 protein. This variant is not present in population databases (gnomAD no frequency). This variant has not been reported in the literature in individuals affected with EYA4-related conditions. Algorithms developed to predict the effect of sequence changes on RNA splicing suggest that this variant may disrupt the consensus splice site. In summary, the available evidence is currently insufficient to determine the role of this variant in disease. Therefore, it has been classified as a Variant of Uncertain Significance.